The following is an entry in ClinVar:

ClinVar aggregate classification (germline): Pathogenic (1 of 4 stars; one submission).

Conditions:
Autosomal recessive nonsyndromic hearing loss 23. Identifiers: Orphanet 90636, MedGen C1836027, MONDO:0012293, OMIM 609533.

Submission:

Institute of Rare Diseases, West China Hospital, Sichuan University
Classification: Pathogenic for Autosomal recessive nonsyndromic hearing loss 23. Last evaluated: 2025-01-09. Review status: criteria provided, single submitter. Criteria: ClinGen HL ACMG Specifications v1. Collection method: research. Allele origin: germline. Affected: yes.
Comment: PVS1;PM3;PM2_Supporting

NM_001384140.1(PCDH15):c.4671+1540AG[3]

Gene: PCDH15 (protocadherin related 15; minus strand). Cytogenetic location: 10q21.1.
Variant type: Microsatellite.
Coding change: c.4671+1540AG[3] on transcript NM_001384140.1 (MANE Select); three copies in a row of the 2-base unit AG starting at c.4671+1540; the reference has two copies in a row; one copy, 2 bases duplicated.
Molecular consequence: intron variant. On other transcripts: frameshift variant (2), 3 prime UTR variant (1).
Genome position (GRCh38, 1-based): chr10:53,809,013-53,809,014, CT duplicated on the plus strand (AG on the coding strand, the reverse complement: PCDH15 is on the minus strand); duplicating any 2 consecutive bases within chr10:53,809,013-53,809,016 gives the same sequence; the position shown is the placement nearest the transcript's 3' end. VCF-style (leftmost placement, unchanged base first): chr10-53809012-C-CCT. GRCh37 (hg19) VCF-style: chr10-55568772-C-CCT.
Other names: c.5049_5050AG[3], p.Glu1685Argfs (NM_001142769.4); c.*464AG[3] (NM_001142770.3); c.5030_5031dup, p.Glu1678fs (NM_001354411.2); c.4476+1540AG[3] (NM_001354420.2); c.4605+1540AG[3] (NM_001354429.2); c.4482+1540AG[3] (NM_001142772.2); c.4497+1540AG[3] (NM_001142771.2); short protein forms E1678fs, E1685fs.
Identifiers: ClinVar variation 3601629 (VCV003601629.1).
Genomic context (GRCh38, chr10:53,809,012, plus strand): 5'-CTTCTTCTTCTGAGTGTTCTTCTTCTTCCATCTTAGGTTCTTTTTGTTCTTCTTGTGGCT[C>CCT]CTCTTTCCTACCCTTGACTTCCTTGACCTCCTCAACCATGGGCCTTCTTCTTGCAAGCAC-3'